The following is an entry in ClinVar:

NM_000443.4(ABCB4):c.1560+6G>A

Gene: ABCB4 (ATP binding cassette subfamily B member 4; minus strand). Cytogenetic location: 7q21.12.
Variant type: single nucleotide variant.
Coding change: c.1560+6G>A on transcript NM_000443.4 (MANE Select); 6 bases into the intron after coding-DNA position 1560, G replaced by A.
Molecular consequence: intron variant.
Genome position (GRCh38, 1-based): chr7:87,440,193, C>T on the plus strand (G>A on the coding strand, the complement: ABCB4 is on the minus strand). VCF-style: chr7-87440193-C-T. GRCh37 (hg19) VCF-style: chr7-87069509-C-T.
Other names: c.1560+6G>A (NM_018850.3, NM_018849.3).
Identifiers: ClinVar variation 1693956 (VCV001693956.5), dbSNP rs200043060, ClinGen allele CA4327271.

ClinVar aggregate classification (germline): Uncertain significance. Review status: criteria provided, multiple submitters, no conflicts (2 of 4 stars). 2 submissions from 2 submitters: Uncertain significance (2). Last evaluated 2026-04-14.

Conditions:
Familial intrahepatic cholestasis. Identifiers: Orphanet 284385, MedGen CN296401, MONDO:0017290.
Low phospholipid associated cholelithiasis (GBD1). Also called: Gallbladder disease 1; Gallstone cholecystitis. Identifiers: Orphanet 69663, MedGen C2609268, MONDO:0010939, OMIM 600803.

Allele frequency attached by ClinVar (database versions not stated): gnomAD 0.00001 and 0.00003; ExAC 0.00002; TOPMed 0.00003; gnomAD exomes 0.00004; 1000 Genomes Project 30x 0.00031; 1000 Genomes Project 0.00040.
gnomAD v4.1: 58 of 1,612,980 alleles (0.0036%); highest among the groups gnomAD compares: East Asian, 0.13%; no homozygotes.

Submissions (2):

Genomenon, Inc
Classification: Uncertain significance for Familial intrahepatic cholestasis; Low phospholipid associated cholelithiasis. Last evaluated: 2026-04-14. Review status: criteria provided, single submitter. Criteria: Genomenon Sequence Variant Interpretation Standards - Updated. Collection method: curation. Allele origin: germline. Affected: no.
Comment: ABCB4 c.1560+6G>A is an intronic variant located in the donor splice region of intron 13. This variant has been reported in the published literature (PMID:31083246;28027573). In silico models predict that this variant is not damaging. In conclusion, we classify ABCB4 c.1560+6G>A as a variant of uncertain significance.

Mayo Clinic Laboratories, Mayo Clinic
Classification: Uncertain significance. Last evaluated: 2021-12-02. Review status: criteria provided, single submitter. Criteria: ACMG Guidelines, 2015. Collection method: clinical testing. Allele origin: germline.

Literature cited by the submitters: PubMed 31083246 (cited by Genomenon, Inc); PubMed 28027573 (cited by Genomenon, Inc).